The following is an entry in ClinVar:

ClinVar aggregate classification (germline): Uncertain significance (1 of 4 stars; one submission).

Conditions:
Growth hormone insensitivity with immune dysregulation 1, autosomal recessive. Also called: Laron syndrome with immunodeficiency; GROWTH HORMONE INSENSITIVITY SYNDROME WITH IMMUNE DYSREGULATION 1, AUTOSOMAL RECESSIVE; GROWTH HORMONE INSENSITIVITY DUE TO POSTRECEPTOR DEFECT; LARON SYNDROME DUE TO POSTRECEPTOR DEFECT. Identifiers: Orphanet 220465, MedGen C5435698, MONDO:0100211, OMIM 245590.

Allele frequency attached by ClinVar (database versions not stated): ExAC 0.00001; gnomAD 0.00001; gnomAD exomes 0.00001; TOPMed 0.00001.
gnomAD v4.1: 6 of 1,613,996 alleles (0.00037%); highest among the groups gnomAD compares: African/African-American, 0.0067%; no homozygotes.

Submission:

Labcorp Genetics (formerly Invitae), Labcorp
Classification: Uncertain significance for Growth hormone insensitivity with immune dysregulation 1, autosomal recessive. Last evaluated: 2025-10-18. Review status: criteria provided, single submitter. Criteria: Invitae Variant Classification Sherloc (09022015). Collection method: clinical testing. Allele origin: germline.
Comment: This sequence change replaces methionine, which is neutral and non-polar, with valine, which is neutral and non-polar, at codon 742 of the STAT5B protein (p.Met742Val). This variant is present in population databases (rs769925436, gnomAD 0.01%). This variant has not been reported in the literature in individuals affected with STAT5B-related conditions. ClinVar contains an entry for this variant (Variation ID: 2973839). An algorithm developed to predict the effect of missense changes on protein structure and function (PolyPhen-2) suggests that this variant is likely to be tolerated. In summary, the available evidence is currently insufficient to determine the role of this variant in disease. Therefore, it has been classified as a Variant of Uncertain Significance.

NM_012448.4(STAT5B):c.2224A>G (p.Met742Val)

Gene: STAT5B (signal transducer and activator of transcription 5B; minus strand). Cytogenetic location: 17q21.2.
Variant type: single nucleotide variant.
Coding change: c.2224A>G on transcript NM_012448.4 (MANE Select); coding-DNA position 2224, A replaced by G.
Protein change: p.Met742Val; replaces methionine 742 with valine.
Molecular consequence: missense variant.
Genome position (GRCh38, 1-based): chr17:42,202,353, T>C on the plus strand (A>G on the coding strand, the complement: STAT5B is on the minus strand). VCF-style: chr17-42202353-T-C. GRCh37 (hg19) VCF-style: chr17-40354371-T-C.
Other names: short protein forms M742V.
Identifiers: ClinVar variation 2973839 (VCV002973839.3), dbSNP rs769925436, ClinGen allele CA8573831.